The following is an entry in ClinVar:

NM_005359.6(SMAD4):c.666A>G (p.Thr222=)

Gene: SMAD4 (SMAD family member 4; plus strand). Cytogenetic location: 18q21.2.
Variant type: single nucleotide variant.
Coding change: c.666A>G on transcript NM_005359.6 (MANE Select); coding-DNA position 666, A replaced by G.
Protein change: p.Thr222=; no amino-acid change (threonine 222 retained).
Molecular consequence: synonymous variant. On other transcripts: non-coding transcript variant (2).
Genome position (GRCh38, 1-based): chr18:51,054,992, A>G. VCF-style: chr18-51054992-A-G. GRCh37 (hg19) VCF-style: chr18-48581362-A-G.
Other names: c.666A>G, p.Thr222= (NM_001407041.1, NM_001407042.1, NM_001407043.1).
Identifiers: ClinVar variation 4755118 (VCV004755118.1).

ClinVar aggregate classification (germline): Uncertain significance (1 of 4 stars; one submission).

Conditions:
Juvenile polyposis syndrome (JPS). Identifiers: Orphanet 2929, MedGen C0345893, MONDO:0017380, OMIM 174900.

Submission:

Labcorp Genetics (formerly Invitae), Labcorp
Classification: Uncertain significance for Juvenile polyposis syndrome. Last evaluated: 2025-06-02. Review status: criteria provided, single submitter. Criteria: Invitae Variant Classification Sherloc (09022015). Collection method: clinical testing. Allele origin: germline.
Comment: This sequence change affects codon 222 of the SMAD4 mRNA. It is a 'silent' change, meaning that it does not change the encoded amino acid sequence of the SMAD4 protein. It affects a nucleotide within the consensus splice site. This variant is not present in population databases (gnomAD no frequency). This variant has not been reported in the literature in individuals affected with SMAD4-related conditions. Algorithms developed to predict the effect of sequence changes on RNA splicing suggest that this variant is not likely to affect RNA splicing. In summary, the available evidence is currently insufficient to determine the role of this variant in disease. Therefore, it has been classified as a Variant of Uncertain Significance.